The following is an entry in ClinVar:

ClinVar aggregate classification (germline): Uncertain significance (1 of 4 stars; one submission).

Conditions:
LRRK2-related disorder. Also called: LRRK2-related condition.

Allele frequency attached by ClinVar (database versions not stated): TOPMed 0.00001; ExAC 0.00002; gnomAD 0.00002; gnomAD exomes 0.00002.
gnomAD v4.1: 26 of 1,614,050 alleles (0.0016%); highest among the groups gnomAD compares: Non-Finnish European, 0.0022%; no homozygotes.

Submission:

PreventionGenetics, part of Exact Sciences
Classification: Uncertain significance for LRRK2-related condition. Last evaluated: 2023-01-25. Review status: criteria provided, single submitter. Criteria: ACMG Guidelines, 2015. Collection method: clinical testing. Allele origin: germline.
Comment: The LRRK2 c.2189T>C variant is predicted to result in the amino acid substitution p.Leu730Pro. To our knowledge, this variant has not been reported in the literature. This variant is reported in 0.0054% of alleles in individuals of European (Non-Finnish) descent in gnomAD. At this time, the clinical significance of this variant is uncertain due to the absence of conclusive functional and genetic evidence.

NM_198578.4(LRRK2):c.2189T>C (p.Leu730Pro)

Gene: LRRK2 (leucine rich repeat kinase 2; plus strand). Cytogenetic location: 12q12.
Variant type: single nucleotide variant.
Coding change: c.2189T>C on transcript NM_198578.4 (MANE Select); coding-DNA position 2189, T replaced by C.
Protein change: p.Leu730Pro; replaces leucine 730 with proline.
Molecular consequence: missense variant.
Genome position (GRCh38, 1-based): chr12:40,278,209, T>C. VCF-style: chr12-40278209-T-C. GRCh37 (hg19) VCF-style: chr12-40672011-T-C.
Other names: short protein forms L730P.
Identifiers: ClinVar variation 2629267 (VCV002629267.1), dbSNP rs202172700, ClinGen allele CA6513575.